The following is an entry in ClinVar:

NM_018127.7(ELAC2):c.1876A>G (p.Ser626Gly)

Gene: ELAC2 (elaC ribonuclease Z 2; minus strand). Cytogenetic location: 17p12.
Variant type: single nucleotide variant.
Coding change: c.1876A>G on transcript NM_018127.7 (MANE Select); coding-DNA position 1876, A replaced by G.
Protein change: p.Ser626Gly; replaces serine 626 with glycine.
Molecular consequence: missense variant.
Genome position (GRCh38, 1-based): chr17:12,994,995, T>C on the plus strand (A>G on the coding strand, the complement: ELAC2 is on the minus strand). VCF-style: chr17-12994995-T-C. GRCh37 (hg19) VCF-style: chr17-12898312-T-C.
Other names: c.1756A>G, p.Ser586Gly (NM_001165962.2); c.1873A>G, p.Ser625Gly (NM_173717.2); short protein forms S586G, S625G, S626G.
Identifiers: ClinVar variation 1400921 (VCV001400921.6), dbSNP rs745680653, ClinGen allele CA8401036.

ClinVar aggregate classification (germline): Uncertain significance (1 of 4 stars; one submission).

Conditions:
Combined oxidative phosphorylation defect type 17. Also called: Combined oxidative phosphorylation deficiency 17. Identifiers: Orphanet 369913, MedGen C3809526, MONDO:0014190, OMIM 615440.

Allele frequency attached by ClinVar (database versions not stated): gnomAD exomes 0.00001; ExAC 0.00002.
gnomAD v4.1: 9 of 1,614,222 alleles (0.00056%); highest among the groups gnomAD compares: South Asian, 0.0044%; no homozygotes.

Submission:

Labcorp Genetics (formerly Invitae), Labcorp
Classification: Uncertain significance for Combined oxidative phosphorylation defect type 17. Last evaluated: 2025-12-08. Review status: criteria provided, single submitter. Criteria: Invitae Variant Classification Sherloc (09022015). Collection method: clinical testing. Allele origin: germline.
Comment: This sequence change replaces serine, which is neutral and polar, with glycine, which is neutral and non-polar, at codon 626 of the ELAC2 protein (p.Ser626Gly). This variant is present in population databases (rs745680653, gnomAD 0.003%). This variant has not been reported in the literature in individuals affected with ELAC2-related conditions. ClinVar contains an entry for this variant (Variation ID: 1400921). Invitae Evidence Modeling of protein sequence and biophysical properties (such as structural, functional, and spatial information, amino acid conservation, physicochemical variation, residue mobility, and thermodynamic stability) indicates that this missense variant is not expected to disrupt ELAC2 protein function with a negative predictive value of 80%. In summary, the available evidence is currently insufficient to determine the role of this variant in disease. Therefore, it has been classified as a Variant of Uncertain Significance.